The following is an entry in ClinVar:

ClinVar aggregate classification (germline): Uncertain significance (1 of 4 stars; one submission).

Conditions:
HYPERHOMOCYSTEINEMIA, THROMBOTIC, CBS-RELATED. Identifiers: MedGen C3150344, OMIM 236200.

Allele frequency attached by ClinVar (database versions not stated): ExAC 0.00002; ESP Exome Variant Server 0.00015.

Submission:

Labcorp Genetics (formerly Invitae), Labcorp
Classification: Uncertain significance for HYPERHOMOCYSTEINEMIA, THROMBOTIC, CBS-RELATED. Last evaluated: 2024-11-28. Review status: criteria provided, single submitter. Criteria: Invitae Variant Classification Sherloc (09022015). Collection method: clinical testing. Allele origin: germline.
Comment: This sequence change replaces arginine, which is basic and polar, with tryptophan, which is neutral and slightly polar, at codon 182 of the CBS protein (p.Arg182Trp). This variant is present in population databases (rs149649130, gnomAD 0.007%). This variant has not been reported in the literature in individuals affected with CBS-related conditions. ClinVar contains an entry for this variant (Variation ID: 2171559). Invitae Evidence Modeling of protein sequence and biophysical properties (such as structural, functional, and spatial information, amino acid conservation, physicochemical variation, residue mobility, and thermodynamic stability) indicates that this missense variant is expected to disrupt CBS protein function with a positive predictive value of 95%. In summary, the available evidence is currently insufficient to determine the role of this variant in disease. Therefore, it has been classified as a Variant of Uncertain Significance.

NM_000071.3(CBS):c.544C>T (p.Arg182Trp)

Gene: CBS (cystathionine beta-synthase; minus strand). Cytogenetic location: 21q22.3.
Variant type: single nucleotide variant.
Coding change: c.544C>T on transcript NM_000071.3 (MANE Select); coding-DNA position 544, C replaced by T.
Protein change: p.Arg182Trp; replaces arginine 182 with tryptophan.
Molecular consequence: missense variant.
Genome position (GRCh38, 1-based): chr21:43,065,509, G>A on the plus strand (C>T on the coding strand, the complement: CBS is on the minus strand). VCF-style: chr21-43065509-G-A. GRCh37 (hg19) VCF-style: chr21-44485619-G-A.
Other names: c.544C>T, p.Arg182Trp (NM_001178008.3, NM_001178009.3, NM_001320298.2); c.229C>T, p.Arg77Trp (NM_001321072.1); short protein forms R182W, R77W.
Identifiers: ClinVar variation 2171559 (VCV002171559.2), dbSNP rs149649130, ClinGen allele CA321096200.